The following is an entry in ClinVar:

ClinVar aggregate classification (germline): Likely pathogenic (1 of 4 stars; one submission).

Conditions:
GNPTG-mucolipidosis. Also called: ML III GAMMA; ML IIIC; MUCOLIPIDOSIS III, COMPLEMENTATION GROUP C; MUCOLIPIDOSIS III, IRANIAN VARIANT FORM; MUCOLIPIDOSIS III, VARIANT FORM; Mucolipidosis type III gamma. Identifiers: Orphanet 423470, Orphanet 577, MedGen C1854896, MONDO:0009652, OMIM 252605.

Submission:

Natera, Inc.
Classification: Likely pathogenic for Mucolipidosis III gamma. Last evaluated: 2024-09-30. Review status: criteria provided, single submitter. Criteria: Natera Variant Classification Schema (03/2026). Collection method: clinical testing. Allele origin: germline.
Comment: The c.3G>C variant in GNPTG is predicted to result in start loss due to disruption of the initiator methionine. This variant is expected to result in nonsense mediated decay, truncation, or a dysfunctional protein product. This variant is rare in the general population with a frequency below the threshold expected for the associated phenotype(s). Given the available evidence, this variant is classified as Likely Pathogenic.

NM_032520.5(GNPTG):c.3G>C (p.Met1Ile)

Genes: GNPTG (N-acetylglucosamine-1-phosphate transferase subunit gamma; plus strand), LOC130058158 (ATAC-STARR-seq lymphoblastoid silent region 6972; plus strand). Cytogenetic location: 16p13.3.
Variant type: single nucleotide variant.
Coding change: c.3G>C on transcript NM_032520.5 (MANE Select); coding-DNA position 3, G replaced by C.
Protein change: p.Met1Ile; changes the start codon (methionine 1).
Molecular consequence: missense variant, initiator codon variant.
Genome position (GRCh38, 1-based): chr16:1,351,968, G>C. VCF-style: chr16-1351968-G-C. GRCh37 (hg19) VCF-style: chr16-1401969-G-C.
Other names: short protein forms M1I.
Identifiers: ClinVar variation 4816334 (VCV004816334.1).